The following is an entry in ClinVar:

ClinVar aggregate classification (germline): Pathogenic (1 of 4 stars; one submission).

Conditions:
Telangiectasia, hereditary hemorrhagic, type 2 (HHT2). Also called: Telangiectasia, hereditary hemorrhagic, type II; ACVRL1-Related Hereditary Hemorrhagic Telangiectasia. Identifiers: Orphanet 774, MedGen C1838163, MONDO:0010880, OMIM 600376. Disease mechanism: loss of function.

Submission:

Labcorp Genetics (formerly Invitae), Labcorp
Classification: Pathogenic for Telangiectasia, hereditary hemorrhagic, type 2. Last evaluated: 2019-01-20. Review status: criteria provided, single submitter. Criteria: Invitae Variant Classification Sherloc (09022015). Collection method: clinical testing. Allele origin: germline.
Comment: For these reasons, this variant has been classified as Pathogenic. Loss-of-function variants in ACVRL1 are known to be pathogenic (PMID: 15879500). This variant has not been reported in the literature in individuals with ACVRL1-related conditions. This variant is not present in population databases (ExAC no frequency). This sequence change creates a premature translational stop signal (p.Trp399*) in the ACVRL1 gene. It is expected to result in an absent or disrupted protein product.

Literature cited by the submitters: PubMed 15879500.

NM_000020.3(ACVRL1):c.1197G>A (p.Trp399Ter)

Gene: ACVRL1 (activin A receptor like type 1; plus strand). Cytogenetic location: 12q13.13.
Variant type: single nucleotide variant.
Coding change: c.1197G>A on transcript NM_000020.3 (MANE Select); coding-DNA position 1197, G replaced by A.
Protein change: p.Trp399Ter; replaces tryptophan 399 with a stop codon.
Molecular consequence: nonsense.
Genome position (GRCh38, 1-based): chr12:51,916,184, G>A. VCF-style: chr12-51916184-G-A. GRCh37 (hg19) VCF-style: chr12-52309968-G-A.
Other names: c.1197G>A, p.Trp399Ter (NM_001077401.2); short protein forms W399*.
Identifiers: ClinVar variation 838981 (VCV000838981.7), dbSNP rs1940837338, ClinGen allele CA384902889.
Genomic context (GRCh38, chr12:51,916,184, plus strand): 5'-GGTGCTGGACGAGCAGATCCGCACGGACTGCTTTGAGTCCTACAAGTGGACTGACATCTG[G>A]GCCTTTGGCCTGGTGCTGTGGGAGATTGCCCGCCGGACCATCGTGAATGGTGAGGGCCCA-3'